The following is an entry in ClinVar:

NM_003737.4(DCHS1):c.1187G>A (p.Gly396Asp)

Gene: DCHS1 (dachsous cadherin-related 1; minus strand). Cytogenetic location: 11p15.4.
Variant type: single nucleotide variant.
Coding change: c.1187G>A on transcript NM_003737.4 (MANE Select); coding-DNA position 1187, G replaced by A.
Protein change: p.Gly396Asp; replaces glycine 396 with aspartic acid.
Molecular consequence: missense variant.
Genome position (GRCh38, 1-based): chr11:6,640,427, C>T on the plus strand (G>A on the coding strand, the complement: DCHS1 is on the minus strand). VCF-style: chr11-6640427-C-T. GRCh37 (hg19) VCF-style: chr11-6661658-C-T.
Other names: short protein forms G396D.
Identifiers: ClinVar variation 2788362 (VCV002788362.3), dbSNP rs1290885308, ClinGen allele CA379436191.

ClinVar aggregate classification (germline): Uncertain significance (1 of 4 stars; one submission).

Allele frequency attached by ClinVar (database versions not stated): gnomAD 0.00001; gnomAD exomes 0.00002; TOPMed 0.00002.
gnomAD v4.1: 33 of 1,613,866 alleles (0.002%); highest among the groups gnomAD compares: African/African-American, 0.0027%; no homozygotes.

Submission:

Labcorp Genetics (formerly Invitae), Labcorp
Classification: Uncertain significance. Last evaluated: 2024-06-26. Review status: criteria provided, single submitter. Criteria: Invitae Variant Classification Sherloc (09022015). Collection method: clinical testing. Allele origin: germline.
Comment: This sequence change replaces glycine, which is neutral and non-polar, with aspartic acid, which is acidic and polar, at codon 396 of the DCHS1 protein (p.Gly396Asp). This variant is present in population databases (no rsID available, gnomAD 0.002%). This variant has not been reported in the literature in individuals affected with DCHS1-related conditions. Advanced modeling of protein sequence and biophysical properties (such as structural, functional, and spatial information, amino acid conservation, physicochemical variation, residue mobility, and thermodynamic stability) performed at Invitae indicates that this missense variant is not expected to disrupt DCHS1 protein function with a negative predictive value of 95%. In summary, the available evidence is currently insufficient to determine the role of this variant in disease. Therefore, it has been classified as a Variant of Uncertain Significance.